The following is an entry in ClinVar:

NM_004974.4(KCNA2):c.260C>G (p.Ala87Gly)

Gene: KCNA2 (potassium voltage-gated channel subfamily A member 2; minus strand). Cytogenetic location: 1p13.3.
Variant type: single nucleotide variant.
Coding change: c.260C>G on transcript NM_004974.4 (MANE Select); coding-DNA position 260, C replaced by G.
Protein change: p.Ala87Gly; replaces alanine 87 with glycine.
Molecular consequence: missense variant.
Genome position (GRCh38, 1-based): chr1:110,604,523, G>C on the plus strand (C>G on the coding strand, the complement: KCNA2 is on the minus strand). VCF-style: chr1-110604523-G-C. GRCh37 (hg19) VCF-style: chr1-111147145-G-C.
Other names: c.260C>G, p.Ala87Gly (NM_001204269.2); short protein forms A87G.
Identifiers: ClinVar variation 2063416 (VCV002063416.4), dbSNP rs2524622684, ClinGen allele CA341606170.
Genomic context (GRCh38, chr1:110,604,523, plus strand): 5'-TCTAAGGGCACATTCACAGGTCGCCTCAATCGGCCCCCTGACTGGTAGTAGTACAAAATG[G>C]CATCAAAGCTAGGGCGGTTCCGATCGAAAAAGTACTCATTTCGGAGGGGGTCAAAGTACC-3'
Protein context (NP_004965.1, residues 77-97): FFDRNRPSFD[Ala87Gly]ILYYYQSGGR

ClinVar aggregate classification (germline): Uncertain significance (1 of 4 stars; one submission).

Conditions:
Developmental and epileptic encephalopathy, 32 (DEE32). Also called: Epileptic encephalopathy, early infantile, 32. Identifiers: Orphanet 442835, MedGen C4225350, MONDO:0014607, OMIM 616366.

Submission:

Labcorp Genetics (formerly Invitae), Labcorp
Classification: Uncertain significance for Developmental and epileptic encephalopathy, 32. Last evaluated: 2022-09-07. Review status: criteria provided, single submitter. Criteria: Invitae Variant Classification Sherloc (09022015). Collection method: clinical testing. Allele origin: germline.
Comment: This variant has not been reported in the literature in individuals affected with KCNA2-related conditions. In summary, the available evidence is currently insufficient to determine the role of this variant in disease. Therefore, it has been classified as a Variant of Uncertain Significance. Advanced modeling of protein sequence and biophysical properties (such as structural, functional, and spatial information, amino acid conservation, physicochemical variation, residue mobility, and thermodynamic stability) performed at Invitae indicates that this missense variant is not expected to disrupt KCNA2 protein function. This variant is not present in population databases (gnomAD no frequency). This sequence change replaces alanine, which is neutral and non-polar, with glycine, which is neutral and non-polar, at codon 87 of the KCNA2 protein (p.Ala87Gly).